The following is an entry in ClinVar:

ClinVar aggregate classification (germline): Benign/Likely benign. Review status: criteria provided, multiple submitters, no conflicts (2 of 4 stars). 4 submissions from 4 submitters: Benign (3); Likely benign (1). Last evaluated 2024-09-18.

Allele frequency attached by ClinVar (database versions not stated): gnomAD exomes 0.00041 and 0.00109; ExAC 0.00131; gnomAD 0.00415 and 0.00441; 1000 Genomes Project 0.00419; ESP Exome Variant Server 0.00431; TOPMed 0.00461; 1000 Genomes Project 30x 0.00515.
gnomAD v4.1: 1,260 of 1,613,230 alleles (0.078%); highest among the groups gnomAD compares: African/African-American, 1.4%; 9 homozygotes.

Submissions (4):

Blueprint Genetics
Classification: Likely benign. Last evaluated: 2024-09-18. Review status: criteria provided, single submitter. Criteria: ACMG Guidelines, 2015. Collection method: clinical testing. Allele origin: germline.

CeGaT Center for Human Genetics Tuebingen
Classification: Benign. Last evaluated: 2023-08-01. Review status: criteria provided, single submitter. Criteria: CeGaT Center For Human Genetics Tuebingen Variant Classification Criteria Version 2. Collection method: clinical testing. Allele origin: germline. Affected: yes. Observed: 1 variant allele.
Comment: HERC2: BP4, BP7, BS1, BS2

Labcorp Genetics (formerly Invitae), Labcorp
Classification: Benign. Last evaluated: 2019-12-31. Review status: criteria provided, single submitter. Criteria: Invitae Variant Classification Sherloc (09022015). Collection method: clinical testing. Allele origin: germline.

Breakthrough Genomics
Classification: Benign. Review status: criteria provided, single submitter. Criteria: ACMG Guidelines, 2015. Collection method: not provided. Allele origin: germline. Inheritance: Autosomal recessive inheritance. Affected: yes.

NM_004667.6(HERC2):c.10431C>T (p.Asp3477=)

Gene: HERC2 (HECT and RLD domain containing E3 ubiquitin protein ligase 2; minus strand). Cytogenetic location: 15q13.1.
Variant type: single nucleotide variant.
Coding change: c.10431C>T on transcript NM_004667.6 (MANE Select); coding-DNA position 10431, C replaced by T.
Protein change: p.Asp3477=; no amino-acid change (aspartic acid 3477 retained).
Molecular consequence: synonymous variant.
Genome position (GRCh38, 1-based): chr15:28,167,810, G>A on the plus strand (C>T on the coding strand, the complement: HERC2 is on the minus strand). VCF-style: chr15-28167810-G-A. GRCh37 (hg19) VCF-style: chr15-28412956-G-A.
Identifiers: ClinVar variation 783703 (VCV000783703.30), dbSNP rs148786700, ClinGen allele CA7440838.
Genomic context (GRCh38, chr15:28,167,810, plus strand): 5'-GATAAAAGGCCGAGCGGAGGCTGAGGGGGCCGACGGAGTCACTGCAGAGGGGGTCACTGC[G>A]TCCTCAGAGGAAACAATCTAGTCCAAGAGTGCACAGTAGGGGAAGTTTAAGTGGAAAAAC-3'
Protein context (NP_004658.3, residues 3467-3487): QEKREIVSSE[Asp3477=]AVTPSAVTPS